The following is an entry in ClinVar:

NM_006796.3(AFG3L2):c.3G>A (p.Met1Ile)

Gene: AFG3L2 (AFG3 like matrix AAA peptidase subunit 2; minus strand). Cytogenetic location: 18p11.21.
Variant type: single nucleotide variant.
Coding change: c.3G>A on transcript NM_006796.3 (MANE Select); coding-DNA position 3, G replaced by A.
Protein change: p.Met1Ile; changes the start codon (methionine 1).
Molecular consequence: missense variant, initiator codon variant.
Genome position (GRCh38, 1-based): chr18:12,377,080, C>T on the plus strand (G>A on the coding strand, the complement: AFG3L2 is on the minus strand). VCF-style: chr18-12377080-C-T. GRCh37 (hg19) VCF-style: chr18-12377079-C-T.
Other names: short protein forms M1I.
Identifiers: ClinVar variation 3694271 (VCV003694271.2).
Genomic context (GRCh38, chr18:12,377,080, plus strand): 5'-CTGCTGTAGGCCGCGGGGCCAGCAGCCGCCCCGGCCCCACAGCCGCAAACAGCGGTGCGC[C>T]ATGGCCGCCGCCGTGGCCCTCTCGGCCCGGGACGCTGCGCAGGCGCGGGCAGGCGACGAC-3'
Protein context (NP_006787.2, residues 1-11): [Met1Ile]AHRCLRLWGR

ClinVar aggregate classification (germline): Uncertain significance (1 of 4 stars; one submission).

Submission:

Labcorp Genetics (formerly Invitae), Labcorp
Classification: Uncertain significance. Last evaluated: 2025-02-02. Review status: criteria provided, single submitter. Criteria: Invitae Variant Classification Sherloc (09022015). Collection method: clinical testing. Allele origin: germline.
Comment: This sequence change affects the initiator methionine of the AFG3L2 mRNA. The next in-frame methionine is located at codon 93. This variant is not present in population databases (gnomAD no frequency). This variant has not been reported in the literature in individuals affected with AFG3L2-related conditions. Experimental studies and prediction algorithms are not available or were not evaluated, and the functional significance of this variant is currently unknown. In summary, the available evidence is currently insufficient to determine the role of this variant in disease. Therefore, it has been classified as a Variant of Uncertain Significance.